The following is an entry in ClinVar:

ClinVar aggregate classification (germline): Uncertain significance. Review status: criteria provided, multiple submitters, no conflicts (2 of 4 stars). 3 submissions from 3 submitters: Uncertain significance (3). Last evaluated 2026-05-20.

Conditions:
Inborn genetic diseases. Identifiers: MedGen C0950123, MeSH D030342.
Lessel-Kreienkamp syndrome. Identifiers: MedGen C5436892, MONDO:0030897, OMIM 619149.

Allele frequency attached by ClinVar (database versions not stated): gnomAD exomes 0.00001; TOPMed below 0.00001.
gnomAD v4.1: 7 of 1,612,800 alleles (0.00043%); highest among the groups gnomAD compares: South Asian, 0.0022%; no homozygotes.

Submissions (3):

Ambry Genetics
Classification: Uncertain significance for Inborn genetic diseases. Last evaluated: 2026-05-20. Review status: criteria provided, single submitter. Criteria: Ambry Variant Classification Scheme 2023. Collection method: clinical testing. Allele origin: germline.
Comment: The c.1889G>A (p.R630H) alteration is located in exon 15 (coding exon 15) of the AGO2 gene. This alteration results from a G to A substitution at nucleotide position 1889, causing the arginine (R) at amino acid position 630 to be replaced by a histidine (H). Based on data from gnomAD, the A allele has an overall frequency of <0.001% (1/248092) total alleles studied. The highest observed frequency was 0.003% (1/30480) of South Asian alleles. Based on insufficient or conflicting evidence, the clinical significance of this alteration remains unclear.

Dasa
Classification: Uncertain significance. Last evaluated: 2025-09-05. Review status: criteria provided, single submitter. Criteria: DASA Assertion Criteria. Collection method: clinical testing. Allele origin: germline.
Comment: NM_012154.5(AGO2):c.1889G>A (p.Arg630His) is a missense variant that results in the substitution of arginine with histidine. This variant is rare in population databases. The currently available literature and clinical evidence are not sufficient to establish a definitive association between this variant and the reported condition. Therefore, this variant is classified as a variant of uncertain significance.

Revvity Omics, Revvity
Classification: Uncertain significance for Lessel-Kreienkamp syndrome. Last evaluated: 2022-12-20. Review status: criteria provided, single submitter. Criteria: ACMG Guidelines, 2015. Collection method: clinical testing. Allele origin: germline.

NM_012154.5(AGO2):c.1889G>A (p.Arg630His)

Gene: AGO2 (argonaute RISC catalytic component 2; minus strand). Cytogenetic location: 8q24.3.
Variant type: single nucleotide variant.
Coding change: c.1889G>A on transcript NM_012154.5 (MANE Select); coding-DNA position 1889, G replaced by A.
Protein change: p.Arg630His; replaces arginine 630 with histidine.
Molecular consequence: missense variant.
Genome position (GRCh38, 1-based): chr8:140,541,309, C>T on the plus strand (G>A on the coding strand, the complement: AGO2 is on the minus strand). VCF-style: chr8-140541309-C-T. GRCh37 (hg19) VCF-style: chr8-141551408-C-T.
Other names: c.1889G>A, p.Arg630His (NM_001164623.3); c.1889G>A (NM_012154.3); short protein forms R630H.
Identifiers: ClinVar variation 2438919 (VCV002438919.6), dbSNP rs1205353566, ClinGen allele CA372333362.
Genomic context (GRCh38, chr8:140,541,309, plus strand): 5'-AGGAGCTCGCGGACCATGGCGGCCAGGTCTTGTATGATCTCCTGCCGGTGCTGCTGCACG[C>T]GCACGGTGGCGCAGTAGCGATTGGGGTGGGCGTCCATGCTGCCCACCACCTGCAGGAACA-3'
Protein context (NP_036286.2, residues 620-640): AHPNRYCATV[Arg630His]VQQHRQEIIQ